The following is an entry in ClinVar:

NM_006059.4(LAMC3):c.1145C>T (p.Pro382Leu)

Gene: LAMC3 (laminin subunit gamma 3; plus strand). Cytogenetic location: 9q34.12.
Variant type: single nucleotide variant.
Coding change: c.1145C>T on transcript NM_006059.4 (MANE Select); coding-DNA position 1145, C replaced by T.
Protein change: p.Pro382Leu; replaces proline 382 with leucine.
Molecular consequence: missense variant.
Genome position (GRCh38, 1-based): chr9:131,039,032, C>T. VCF-style: chr9-131039032-C-T. GRCh37 (hg19) VCF-style: chr9-133914419-C-T.
Other names: short protein forms P382L.
Identifiers: ClinVar variation 1312839 (VCV001312839.11), dbSNP rs780209733, ClinGen allele CA5286954.

ClinVar aggregate classification (germline): Uncertain significance. Review status: criteria provided, multiple submitters, no conflicts (2 of 4 stars). 4 submissions from 4 submitters: Uncertain significance (4). Last evaluated 2025-06-18.

Conditions:
Inborn genetic diseases. Identifiers: MedGen C0950123, MeSH D030342.

Allele frequency attached by ClinVar (database versions not stated): gnomAD 0.00003 and 0.00004.
gnomAD v4.1: 145 of 1,613,478 alleles (0.009%); highest among the groups gnomAD compares: Non-Finnish European, 0.012%; no homozygotes.

Submissions (4):

Ambry Genetics
Classification: Uncertain significance for Inborn genetic diseases. Last evaluated: 2025-06-18. Review status: criteria provided, single submitter. Criteria: Ambry Variant Classification Scheme 2023. Collection method: clinical testing. Allele origin: germline.

Labcorp Genetics (formerly Invitae), Labcorp
Classification: Uncertain significance. Last evaluated: 2024-08-06. Review status: criteria provided, single submitter. Criteria: Invitae Variant Classification Sherloc (09022015). Collection method: clinical testing. Allele origin: germline.
Comment: This sequence change replaces proline, which is neutral and non-polar, with leucine, which is neutral and non-polar, at codon 382 of the LAMC3 protein (p.Pro382Leu). This variant is present in population databases (rs780209733, gnomAD 0.02%). This variant has not been reported in the literature in individuals affected with LAMC3-related conditions. ClinVar contains an entry for this variant (Variation ID: 1312839). An algorithm developed to predict the effect of missense changes on protein structure and function (PolyPhen-2) suggests that this variant is likely to be disruptive. In summary, the available evidence is currently insufficient to determine the role of this variant in disease. Therefore, it has been classified as a Variant of Uncertain Significance.

Blueprint Genetics
Classification: Uncertain significance. Last evaluated: 2024-05-24. Review status: criteria provided, single submitter. Criteria: ACMG Guidelines, 2015. Collection method: clinical testing. Allele origin: germline.

GeneDx
Classification: Uncertain significance. Last evaluated: 2020-07-01. Review status: criteria provided, single submitter. Criteria: GeneDx Variant Classification Process June 2021. Collection method: clinical testing. Allele origin: germline. Affected: yes.
Comment: In silico analysis supports that this missense variant has a deleterious effect on protein structure/function; Has not been previously published as pathogenic or benign to our knowledge; This variant is associated with the following publications: (PMID: 24682882)